The following is an entry in ClinVar:

NM_001142800.2(EYS):c.3808G>A (p.Val1270Ile)

Gene: EYS (EGF-like photoreceptor maintenance factor; minus strand). Cytogenetic location: 6q12.
Variant type: single nucleotide variant.
Coding change: c.3808G>A on transcript NM_001142800.2 (MANE Select); coding-DNA position 3808, G replaced by A.
Protein change: p.Val1270Ile; replaces valine 1270 with isoleucine.
Molecular consequence: missense variant.
Genome position (GRCh38, 1-based): chr6:64,593,186, C>T on the plus strand (G>A on the coding strand, the complement: EYS is on the minus strand). VCF-style: chr6-64593186-C-T. GRCh37 (hg19) VCF-style: chr6-65303079-C-T.
Other names: c.3808G>A, p.Val1270Ile (NM_001292009.2); short protein forms V1270I.
Identifiers: ClinVar variation 1412112 (VCV001412112.6), dbSNP rs1284747107, ClinGen allele CA364784684.

ClinVar aggregate classification (germline): Uncertain significance (1 of 4 stars; one submission).

Allele frequency attached by ClinVar (database versions not stated): gnomAD exomes below 0.00001; gnomAD 0.00001 and 0.00002.
gnomAD v4.1: 7 of 1,549,486 alleles (0.00045%); highest among the groups gnomAD compares: African/African-American, 0.0041%; no homozygotes.

Submission:

Labcorp Genetics (formerly Invitae), Labcorp
Classification: Uncertain significance. Last evaluated: 2024-01-24. Review status: criteria provided, single submitter. Criteria: Invitae Variant Classification Sherloc (09022015). Collection method: clinical testing. Allele origin: germline.
Comment: This sequence change replaces valine, which is neutral and non-polar, with isoleucine, which is neutral and non-polar, at codon 1270 of the EYS protein (p.Val1270Ile). This variant is present in population databases (no rsID available, gnomAD 0.02%). This variant has not been reported in the literature in individuals affected with EYS-related conditions. ClinVar contains an entry for this variant (Variation ID: 1412112). Algorithms developed to predict the effect of missense changes on protein structure and function output the following: SIFT: "Not Available"; PolyPhen-2: "Benign"; Align-GVGD: "Not Available". The isoleucine amino acid residue is found in multiple mammalian species, which suggests that this missense change does not adversely affect protein function. This variant disrupts the p.Val1270 amino acid residue in EYS. Other variant(s) that disrupt this residue have been determined to be pathogenic (PMID: 31814702, 32218477). This suggests that this residue is clinically significant, and that variants that disrupt this residue are likely to be disease-causing. In summary, the available evidence is currently insufficient to determine the role of this variant in disease. Therefore, it has been classified as a Variant of Uncertain Significance.

Literature cited by the submitters: PubMed 31814702; PubMed 32218477.